The following is an entry in ClinVar:

ClinVar aggregate classification (germline): Uncertain significance. Review status: criteria provided, multiple submitters, no conflicts (2 of 4 stars). 3 submissions from 3 submitters: Uncertain significance (3). Last evaluated 2023-10-02.

Conditions:
Muscular dystrophy-dystroglycanopathy (congenital with brain and eye anomalies), type A, 7. Also called: WALKER-WARBURG SYNDROME OR MUSCLE-EYE-BRAIN DISEASE, ISPD-RELATED; Congenital muscular dystrophy-dystroglycanopathy with brain and eye anomalies, type A7. Identifiers: Orphanet 899, MedGen C3553330, MONDO:0013835, OMIM 614643.
Autosomal recessive limb-girdle muscular dystrophy type 2U. Also called: Muscular dystrophy-dystroglycanopathy (limb-girdle), type c, 7; MUSCULAR DYSTROPHY, LIMB-GIRDLE, TYPE 2U. Identifiers: Orphanet 352479, MedGen C5190987, MONDO:0014474, OMIM 616052.

Allele frequency attached by ClinVar (database versions not stated): ExAC 0.00001; gnomAD 0.00001; TOPMed 0.00001.
gnomAD v4.1: 46 of 1,613,848 alleles (0.0029%); highest among the groups gnomAD compares: East Asian, 0.0045%; no homozygotes.

Submissions (3):

Ambry Genetics
Classification: Uncertain significance. Last evaluated: 2023-10-02. Review status: criteria provided, single submitter. Criteria: Ambry Variant Classification Scheme 2023. Collection method: clinical testing. Allele origin: germline.

Revvity Omics, Revvity
Classification: Uncertain significance. Last evaluated: 2023-06-30. Review status: criteria provided, single submitter. Criteria: ACMG Guidelines, 2015. Collection method: clinical testing. Allele origin: germline.

Labcorp Genetics (formerly Invitae), Labcorp
Classification: Uncertain significance for Muscular dystrophy-dystroglycanopathy (congenital with brain and eye anomalies), type A, 7; Autosomal recessive limb-girdle muscular dystrophy type 2U. Last evaluated: 2022-07-22. Review status: criteria provided, single submitter. Criteria: Invitae Variant Classification Sherloc (09022015). Collection method: clinical testing. Allele origin: germline.
Comment: In summary, the available evidence is currently insufficient to determine the role of this variant in disease. Therefore, it has been classified as a Variant of Uncertain Significance. Algorithms developed to predict the effect of missense changes on protein structure and function (SIFT, PolyPhen-2, Align-GVGD) all suggest that this variant is likely to be tolerated. ClinVar contains an entry for this variant (Variation ID: 1680796). This variant has not been reported in the literature in individuals affected with ISPD-related conditions. This variant is present in population databases (rs764542382, gnomAD 0.01%). This sequence change replaces glutamic acid, which is acidic and polar, with lysine, which is basic and polar, at codon 121 of the ISPD protein (p.Glu121Lys).

NM_001101426.4(CRPPA):c.361G>A (p.Glu121Lys)

Gene: CRPPA (CDP-L-ribitol pyrophosphorylase A; minus strand). Cytogenetic location: 7p21.2.
Variant type: single nucleotide variant.
Coding change: c.361G>A on transcript NM_001101426.4 (MANE Select); coding-DNA position 361, G replaced by A.
Protein change: p.Glu121Lys; replaces glutamic acid 121 with lysine.
Molecular consequence: missense variant. On other transcripts: non-coding transcript variant (1).
Genome position (GRCh38, 1-based): chr7:16,406,234, C>T on the plus strand (G>A on the coding strand, the complement: CRPPA is on the minus strand). VCF-style: chr7-16406234-C-T. GRCh37 (hg19) VCF-style: chr7-16445859-C-T.
Other names: c.361G>A, p.Glu121Lys (NM_001101417.4, NM_001368197.1); c.361G>A (NM_001101426.3); short protein forms E121K.
Identifiers: ClinVar variation 1680796 (VCV001680796.11), dbSNP rs764542382, ClinGen allele CA4169624.